The following is an entry in ClinVar:

NM_003482.4(KMT2D):c.7228C>T (p.Arg2410Ter)

Gene: KMT2D (lysine methyltransferase 2D; minus strand). Cytogenetic location: 12q13.12.
Variant type: single nucleotide variant.
Coding change: c.7228C>T on transcript NM_003482.4 (MANE Select); coding-DNA position 7228, C replaced by T.
Protein change: p.Arg2410Ter; replaces arginine 2410 with a stop codon.
Molecular consequence: nonsense.
Genome position (GRCh38, 1-based): chr12:49,040,542, G>A on the plus strand (C>T on the coding strand, the complement: KMT2D is on the minus strand). VCF-style: chr12-49040542-G-A. GRCh37 (hg19) VCF-style: chr12-49434325-G-A.
Other names: short protein forms R2410*.
Identifiers: ClinVar variation 813529 (VCV000813529.16), dbSNP rs1943461045, ClinGen allele CA384748129.
Genomic context (GRCh38, chr12:49,040,542, plus strand): 5'-GAGGCCGGGGTGTCAGTGGAGACTGGGAGCTGGACTGGGACTGAGGACTGGCAGGCACTC[G>A]GGAGAAAGGGTCGGAGGGCAGTGAGCGAGGGGGCAGAGCACAGCAGCTCTCAGGGGGCGG-3'

ClinVar aggregate classification (germline): Pathogenic. Review status: criteria provided, multiple submitters, no conflicts (2 of 4 stars). 5 submissions from 5 submitters: Pathogenic (4). 1 of the submissions does not count toward it. Last evaluated 2024-08-08.

Conditions:
Microcephaly. Also called: Microcephaly (disease). Identifiers: MedGen C4551563, MONDO:0001149, HP:0000252.
KMT2D-related disorder. Also called: KMT2D-Related Disorders.
Kabuki syndrome. Also called: Kabuki make-up syndrome; NIIKAWA-KUROKI SYNDROME. Identifiers: Orphanet 2322, MedGen C0796004, MONDO:0016512.
Kabuki syndrome 1 (KABUK1). Also called: KMT2D-Related Kabuki Syndrome. Identifiers: Orphanet 2322, MedGen CN030661, MONDO:0007843, OMIM 147920.

Submissions (5):

Blueprint Genetics
Classification: Pathogenic for KMT2D-related disorders. Last evaluated: 2024-08-08. Review status: criteria provided, single submitter. Criteria: ACMG Guidelines, 2015. Collection method: clinical testing. Allele origin: germline. Affected: yes. Observed: 2 variant alleles.

Labcorp Genetics (formerly Invitae), Labcorp
Classification: Pathogenic for Kabuki syndrome. Last evaluated: 2022-02-11. Review status: criteria provided, single submitter. Criteria: Invitae Variant Classification Sherloc (09022015). Collection method: clinical testing. Allele origin: germline.
Comment: For these reasons, this variant has been classified as Pathogenic. ClinVar contains an entry for this variant (Variation ID: 813529). This premature translational stop signal has been observed in individual(s) with Kabuki syndrome (PMID: 21671394, 30107592). In at least one individual the variant was observed to be de novo. This variant is not present in population databases (gnomAD no frequency). This sequence change creates a premature translational stop signal (p.Arg2410*) in the KMT2D gene. It is expected to result in an absent or disrupted protein product. Loss-of-function variants in KMT2D are known to be pathogenic (PMID: 22126750).

Revvity Omics, Revvity
Classification: Pathogenic. Last evaluated: 2021-07-06. Review status: criteria provided, single submitter. Criteria: ACMG Guidelines, 2015. Collection method: clinical testing. Allele origin: germline.

Breda Genetics srl
Classification: Pathogenic for Kabuki syndrome 1. Last evaluated: 2019-06-26. Review status: criteria provided, single submitter. Criteria: ACMG Guidelines, 2015. Collection method: clinical testing. Allele origin: germline. Inheritance: Autosomal dominant inheritance. Affected: yes. Observed: 1 variant allele, 1 heterozygote.
Comment: The variant c.7228C>T (p.Arg2410*) in the KMT2D gene is reported as affecting functions in the Global Variome shared LOVD database v.3.0. This variant creates a premature stop codon at amino acid position Arg2410, which is likely to result in a truncated protein or protein loss due to nonsense-mediated messenger decay (NMD). This variant has been already reported in the literature by Hannibal et al., 2011, in a patient affected by KS (PMID: 21671394). This variant is not present in dbSNP, gnomAD, 1000 Genomes, NHLI Exome Sequencing Project (ESP) or ClinVar.

Department of Pediatrics, Samsung Medical Center, Samsung Medical Center
Classification: Pathogenic for Microcephaly. Review status: no assertion criteria provided. Criteria: ACMG Guidelines, 2015. Collection method: research. Allele origin: germline. Affected: yes. Not counted in ClinVar's aggregate classification.

Literature cited by the submitters: PubMed 21671394 (cited by Labcorp Genetics (formerly Invitae), Labcorp); PubMed 30107592 (cited by Labcorp Genetics (formerly Invitae), Labcorp); PubMed 22126750 (cited by Labcorp Genetics (formerly Invitae), Labcorp).